The following is an entry in ClinVar:

ClinVar aggregate classification (germline): Uncertain significance. Review status: criteria provided, multiple submitters, no conflicts (2 of 4 stars). 2 submissions from 2 submitters: Uncertain significance (2). Last evaluated 2024-01-05.

Allele frequency attached by ClinVar (database versions not stated): gnomAD exomes below 0.00001; gnomAD 0.00001; TOPMed 0.00001.
gnomAD v4.1: 4 of 1,612,400 alleles (0.00025%); highest among the groups gnomAD compares: South Asian, 0.0011%; no homozygotes.

Submissions (2):

Women's Health and Genetics/Laboratory Corporation of America, LabCorp
Classification: Uncertain significance. Last evaluated: 2024-01-05. Review status: criteria provided, single submitter. Criteria: LabCorp Variant Classification Summary - May 2015. Collection method: clinical testing. Allele origin: germline.
Comment: Variant summary: DST c.*156270C>T is located in the untranscribed region downstream of the DST gene region of transcript NM_001723.5. However, the DST gene has multiple clinically relevant transcripts. NM_001723.5 is the major skin-specific isoform (otherwise known as dystonin-e), while NM_001144769 is the major brain-specific isoform (otherwise known as dystonin-a). The variant of interest results in a premature termination codon in the last exon of the major brain-specific isoform (c.16786C>T p.Arg5596Ter), and is predicted to cause a truncation of the encoded protein, not subject to nonsense mediated decay. No pathogenic variants downstream of this position have not been reported by our laboratory or in ClinVar. The variant allele was found at a frequency of 4.1e-06 in 245266 control chromosomes. The available data on variant occurrences in the general population are insufficient to allow any conclusion about variant significance. The variant, described as c.15274C>T, p.Arg5092Ter in NM_015548, has been reported in trans along with an apparently VUS variant in at-least one individual with Developmental Disorders via WES-TRIO (Liu_2021). The clinical spectrum of whom included motor delay, intellectual disability, neurodevelopmental delay, muscular hypotonia, microcephaly and single transverse palmar creases. These report(s) do not provide unequivocal conclusions about association of the variant with DST-Related Disorders. To our knowledge, no experimental evidence demonstrating an impact on protein function has been reported. The following publication has been ascertained in the context of this evaluation (PMID: 32959227). ClinVar contains an entry for this variant (Variation ID: 1162987, VUS). Based on the evidence outlined above, the variant was classified as uncertain significance.

Mayo Clinic Laboratories, Mayo Clinic
Classification: Uncertain significance. Last evaluated: 2020-01-31. Review status: criteria provided, single submitter. Criteria: ACMG Guidelines, 2015. Collection method: clinical testing. Allele origin: germline. Observed: 1 variant allele.

Literature cited by the submitters: PubMed 32959227 (cited by Women's Health and Genetics/Laboratory Corporation of America, LabCorp).

NM_001374736.1(DST):c.23215C>T (p.Arg7739Ter)

Gene: DST (dystonin; minus strand). Cytogenetic location: 6p12.1.
Variant type: single nucleotide variant.
Coding change: c.23215C>T on transcript NM_001374736.1 (MANE Select); coding-DNA position 23215, C replaced by T.
Protein change: p.Arg7739Ter; replaces arginine 7739 with a stop codon.
Molecular consequence: nonsense.
Genome position (GRCh38, 1-based): chr6:56,459,247, G>A on the plus strand (C>T on the coding strand, the complement: DST is on the minus strand). VCF-style: chr6-56459247-G-A. GRCh37 (hg19) VCF-style: chr6-56324045-G-A.
Other names: c.16786C>T, p.Arg5596Ter (NM_001144769.5); c.16372C>T, p.Arg5458Ter (NM_001144770.2); c.23143C>T, p.Arg7715Ter (NM_001374722.1); c.22144C>T, p.Arg7382Ter (NM_001374729.1); c.15886C>T, p.Arg5296Ter (NM_001374730.1); c.23170C>T, p.Arg7724Ter (NM_001374734.1); c.16234C>T, p.Arg5412Ter (NM_001386100.1); c.15274C>T, p.Arg5092Ter (NM_015548.5); and 1 more; short protein forms R5092*, R5296*, R5412*, R5418*, R5458*, R5596*, R7382*, R7715*.
Identifiers: ClinVar variation 1162987 (VCV001162987.6), dbSNP rs1270744282, ClinGen allele CA364503493.
Genomic context (GRCh38, chr6:56,459,247, plus strand): 5'-CACTGCCTCGGCGGCTGCTGGCCCTGCTGCCAGCTTTGCTTCCAGCTCGACTTCCTGGTC[G>A]GCTGGGAGTCTTCTTGGAATCTGAGGAAAGAAGGTAGAGACAGCTCACCCTTATTATTGG-3'